The following is an entry in ClinVar:

ClinVar aggregate classification (germline): Uncertain significance (1 of 4 stars; one submission).

Submission:

Labcorp Genetics (formerly Invitae), Labcorp
Classification: Uncertain significance. Last evaluated: 2024-09-06. Review status: criteria provided, single submitter. Criteria: Invitae Variant Classification Sherloc (09022015). Collection method: clinical testing. Allele origin: germline.
Comment: This sequence change replaces glutamic acid, which is acidic and polar, with glycine, which is neutral and non-polar, at codon 717 of the CACNA2D4 protein (p.Glu717Gly). This variant is not present in population databases (gnomAD no frequency). This variant has not been reported in the literature in individuals affected with CACNA2D4-related conditions. An algorithm developed to predict the effect of missense changes on protein structure and function (PolyPhen-2) suggests that this variant is likely to be tolerated. Algorithms developed to predict the effect of sequence changes on RNA splicing suggest that this variant may disrupt the consensus splice site. In summary, the available evidence is currently insufficient to determine the role of this variant in disease. Therefore, it has been classified as a Variant of Uncertain Significance.

NM_172364.5(CACNA2D4):c.2150A>G (p.Glu717Gly)

Gene: CACNA2D4 (calcium voltage-gated channel auxiliary subunit alpha2delta 4; minus strand). Cytogenetic location: 12p13.33.
Variant type: single nucleotide variant.
Coding change: c.2150A>G on transcript NM_172364.5 (MANE Select); coding-DNA position 2150, A replaced by G.
Protein change: p.Glu717Gly; replaces glutamic acid 717 with glycine.
Molecular consequence: missense variant.
Genome position (GRCh38, 1-based): chr12:1,856,014, T>C on the plus strand (A>G on the coding strand, the complement: CACNA2D4 is on the minus strand). VCF-style: chr12-1856014-T-C. GRCh37 (hg19) VCF-style: chr12-1965180-T-C.
Other names: short protein forms E717G.
Identifiers: ClinVar variation 3690269 (VCV003690269.2).